The following is an entry in ClinVar:

NM_001190787.3(MCIDAS):c.604C>G (p.Gln202Glu)

Gene: MCIDAS (multiciliate differentiation and DNA synthesis associated cell cycle protein; minus strand). Cytogenetic location: 5q11.2.
Variant type: single nucleotide variant.
Coding change: c.604C>G on transcript NM_001190787.3 (MANE Select); coding-DNA position 604, C replaced by G.
Protein change: p.Gln202Glu; replaces glutamine 202 with glutamic acid.
Molecular consequence: missense variant.
Genome position (GRCh38, 1-based): chr5:55,222,178, G>C on the plus strand (C>G on the coding strand, the complement: MCIDAS is on the minus strand). VCF-style: chr5-55222178-G-C. GRCh37 (hg19) VCF-style: chr5-54518006-G-C.
Other names: short protein forms Q202E.
Identifiers: ClinVar variation 1517175 (VCV001517175.6), dbSNP rs2111692918, ClinGen allele CA359732243.

ClinVar aggregate classification (germline): Uncertain significance (1 of 4 stars; one submission).

Conditions:
Primary ciliary dyskinesia. Also called: Ciliary dyskinesia. Identifiers: Orphanet 244, MedGen C0008780, MONDO:0016575, HP:0012265.

gnomAD v4.1: 1 of 1,534,520 alleles (0.000065%); highest among the groups gnomAD compares: Non-Finnish European, 0.000087%; no homozygotes.

Submission:

Labcorp Genetics (formerly Invitae), Labcorp
Classification: Uncertain significance for Primary ciliary dyskinesia. Last evaluated: 2022-08-16. Review status: criteria provided, single submitter. Criteria: Invitae Variant Classification Sherloc (09022015). Collection method: clinical testing. Allele origin: germline.
Comment: This sequence change replaces glutamine, which is neutral and polar, with glutamic acid, which is acidic and polar, at codon 202 of the MCIDAS protein (p.Gln202Glu). This variant is not present in population databases (gnomAD no frequency). This variant has not been reported in the literature in individuals affected with MCIDAS-related conditions. ClinVar contains an entry for this variant (Variation ID: 1517175). Algorithms developed to predict the effect of missense changes on protein structure and function (SIFT, PolyPhen-2, Align-GVGD) all suggest that this variant is likely to be disruptive. In summary, the available evidence is currently insufficient to determine the role of this variant in disease. Therefore, it has been classified as a Variant of Uncertain Significance.